The following is an entry in ClinVar:

ClinVar aggregate classification (germline): Pathogenic/Likely pathogenic. Review status: criteria provided, multiple submitters, no conflicts (2 of 4 stars). 4 submissions from 4 submitters: Pathogenic (3); Likely pathogenic (1). Last evaluated 2024-05-26.

Conditions:
Cardiovascular phenotype. Identifiers: MedGen CN230736.
Hypertrophic cardiomyopathy. Also called: HYPERTROPHIC MYOCARDIOPATHY. Identifiers: Orphanet 217569, MedGen C0007194, MeSH D002312, MONDO:0005045, HP:0001639.

Allele frequency attached by ClinVar (database versions not stated): TOPMed 0.00001.

Submissions (4):

Labcorp Genetics (formerly Invitae), Labcorp
Classification: Pathogenic for Hypertrophic cardiomyopathy. Last evaluated: 2024-05-26. Review status: criteria provided, single submitter. Criteria: Invitae Variant Classification Sherloc (09022015). Collection method: clinical testing. Allele origin: germline.
Comment: This sequence change creates a premature translational stop signal (p.Ser362Lysfs*28) in the MYBPC3 gene. It is expected to result in an absent or disrupted protein product. Loss-of-function variants in MYBPC3 are known to be pathogenic (PMID: 19574547). This variant is not present in population databases (gnomAD no frequency). This premature translational stop signal has been observed in individual(s) with hypertrophic cardiomyopathy (PMID: 25132132). This variant is also known as 1084_1085insA. ClinVar contains an entry for this variant (Variation ID: 181159). For these reasons, this variant has been classified as Pathogenic.

Molecular Diagnostic Laboratory for Inherited Cardiovascular Disease, Montreal Heart Institute
Classification: Pathogenic for Cardiovascular phenotype. Last evaluated: 2023-12-28. Review status: criteria provided, single submitter. Criteria: ACMG Guidelines, 2015. Collection method: clinical testing. Allele origin: germline. Affected: yes.
Comment: PVS1, PM2, PS4_supp, PP5

GeneDx
Classification: Pathogenic. Last evaluated: 2015-08-04. Review status: criteria provided, single submitter. Criteria: GeneDx Variant Classification (06012015). Collection method: clinical testing. Allele origin: germline. Affected: yes.
Comment: The c.1084dupA pathogenic variant in the MYBPC3 gene been reported previously in one individual with HCM, and was absent from 307 control alleles (Wang J et al., 2014). Additionally, the c.1084dupA mutation was not observed in approximately 6,400 individuals of European and African American ancestry in the NHLBI Exome Sequencing Project, indicating it is not a common benign variant in these populations. This variant causes a shift in reading frame starting at codon Serine 362, changing it to a Lysine, and creating a premature stop codon at position 28 of the new reading frame, denoted p.Ser362LysfsX28. This variant is expected to result in either an abnormal, truncated protein product or loss of protein from this allele through nonsense-mediated mRNA decay. Furthermore, other frameshift variants in the MYBPC3 gene have been reported in the Human Gene Mutation Database in association with HCM and dilated cardiomyopathy (DCM) (Stenson P et al., 2014).

Stanford Center for Inherited Cardiovascular Disease, Stanford University
Classification: Likely pathogenic. Last evaluated: 2013-07-15. Review status: criteria provided, single submitter. Criteria: ACMG Guidelines, 2015. Collection method: provider interpretation. Allele origin: germline.

Literature cited by the submitters: PubMed 19574547 (cited by Labcorp Genetics (formerly Invitae), Labcorp); PubMed 25132132 (cited by Labcorp Genetics (formerly Invitae), Labcorp).

NM_000256.3(MYBPC3):c.1084dup (p.Ser362fs)

Gene: MYBPC3 (myosin binding protein C3; minus strand). Cytogenetic location: 11p11.2.
Variant type: Duplication.
Coding change: c.1084dup on transcript NM_000256.3 (MANE Select); coding-DNA position 1084, one base duplicated (A; older notation c.1084dupA).
Protein change: p.Ser362fs; shifts the reading frame from serine 362.
Molecular consequence: frameshift variant.
Genome position (GRCh38, 1-based): chr11:47,346,213, T duplicated on the plus strand (A on the coding strand, the reverse complement: MYBPC3 is on the minus strand). VCF-style (leftmost placement, unchanged base first): chr11-47346212-C-CT. GRCh37 (hg19) VCF-style: chr11-47367763-C-CT.
Other names: c.1084dup, p.Ser362fs (LRG_386t1); c.1084dupA (NM_000256.3); short protein forms S362fs.
Identifiers: ClinVar variation 181159 (VCV000181159.11), dbSNP rs730880723, ClinGen allele CA296499.